The following is an entry in ClinVar:

NM_000535.7(PMS2):c.2381C>A (p.Pro794His)

Gene: PMS2 (PMS1 homolog 2, mismatch repair system component; minus strand). Cytogenetic location: 7p22.1.
Variant type: single nucleotide variant.
Coding change: c.2381C>A on transcript NM_000535.7 (MANE Select); coding-DNA position 2381, C replaced by A.
Protein change: p.Pro794His; replaces proline 794 with histidine.
Molecular consequence: missense variant. On other transcripts: non-coding transcript variant (1).
Genome position (GRCh38, 1-based): chr7:5,977,652, G>T on the plus strand (C>A on the coding strand, the complement: PMS2 is on the minus strand). VCF-style: chr7-5977652-G-T. GRCh37 (hg19) VCF-style: chr7-6017283-G-T.
Other names: c.1448C>A, p.Pro483His (NM_001322012.2, NM_001322011.2); c.1808C>A, p.Pro603His (NM_001322013.2); c.2414C>A, p.Pro805His (NM_001322014.2); c.2072C>A, p.Pro691His (NM_001322015.2); c.1976C>A, p.Pro659His (NM_001322003.2, NM_001322004.2, NM_001322005.2); c.2225C>A, p.Pro742His (NM_001322006.2); c.2063C>A, p.Pro688His (NM_001322007.2, NM_001322008.2); c.2009C>A, p.Pro670His (NM_001322009.2); and 1 more; short protein forms P659H, P691H, P742H, P483H, P603H, P688H, P607H, P805H.
Identifiers: ClinVar variation 821174 (VCV000821174.4), dbSNP rs876659030, ClinGen allele CA366735755.

ClinVar aggregate classification (germline): Uncertain significance (1 of 4 stars; one submission).

Conditions:
Hereditary cancer-predisposing syndrome. Also called: Neoplastic Syndromes, Hereditary; Tumor predisposition; Hereditary Cancer Syndrome; Hereditary neoplastic syndrome. Identifiers: Orphanet 140162, MedGen C0027672, MeSH D009386, MONDO:0015356.

Submission:

Ambry Genetics
Classification: Uncertain significance for Hereditary cancer-predisposing syndrome. Last evaluated: 2018-05-25. Review status: criteria provided, single submitter. Criteria: Ambry Variant Classification Scheme 2023. Collection method: clinical testing. Allele origin: germline.
Comment: The p.P794H variant (also known as c.2381C>A), located in coding exon 14 of the PMS2 gene, results from a C to A substitution at nucleotide position 2381. The proline at codon 794 is replaced by histidine, an amino acid with similar properties. This amino acid position is highly conserved in available vertebrate species. In addition, the in silico prediction for this alteration is inconclusive. Since supporting evidence is limited at this time, the clinical significance of this alteration remains unclear.